The following is an entry in ClinVar:

ClinVar aggregate classification (germline): Uncertain significance (1 of 4 stars; one submission).

Allele frequency attached by ClinVar (database versions not stated): ExAC 0.00001.
gnomAD v4.1: 3 of 1,614,172 alleles (0.00019%); highest among the groups gnomAD compares: East Asian, 0.0022%; no homozygotes.

Submission:

Labcorp Genetics (formerly Invitae), Labcorp
Classification: Uncertain significance. Last evaluated: 2025-05-22. Review status: criteria provided, single submitter. Criteria: Invitae Variant Classification Sherloc (09022015). Collection method: clinical testing. Allele origin: germline.
Comment: This sequence change creates a premature translational stop signal (p.Arg1943*) in the LRRK1 gene. While this is not anticipated to result in nonsense mediated decay, it is expected to disrupt the last 73 amino acid(s) of the LRRK1 protein. This variant is present in population databases (rs756852396, gnomAD 0.006%). This variant has not been reported in the literature in individuals affected with LRRK1-related conditions. ClinVar contains an entry for this variant (Variation ID: 2091908). Experimental studies and prediction algorithms are not available or were not evaluated, and the functional significance of this variant is currently unknown. Algorithms developed to predict the effect of sequence changes on RNA splicing suggest that this variant may disrupt the consensus splice site. In summary, the available evidence is currently insufficient to determine the role of this variant in disease. Therefore, it has been classified as a Variant of Uncertain Significance.

NM_024652.6(LRRK1):c.5827C>T (p.Arg1943Ter)

Genes: LRRK1-AS1 (LRRK1 antisense RNA 1; minus strand), LRRK1 (leucine rich repeat kinase 1; plus strand). Cytogenetic location: 15q26.3.
Variant type: single nucleotide variant.
Coding change: c.5827C>T on transcript NM_024652.6 (MANE Select); coding-DNA position 5827, C replaced by T.
Protein change: p.Arg1943Ter; replaces arginine 1943 with a stop codon.
Molecular consequence: nonsense.
Genome position (GRCh38, 1-based): chr15:101,066,698, C>T. VCF-style: chr15-101066698-C-T. GRCh37 (hg19) VCF-style: chr15-101606903-C-T.
Other names: short protein forms R1943*.
Identifiers: ClinVar variation 2091908 (VCV002091908.4), dbSNP rs756852396, ClinGen allele CA7762265.